The following is an entry in ClinVar:

NM_001393586.1(MYO7B):c.4194C>T (p.Leu1398=)

Gene: MYO7B (myosin VIIB; plus strand). Cytogenetic location: 2q14.3.
Variant type: single nucleotide variant.
Coding change: c.4194C>T on transcript NM_001393586.1 (MANE Select); coding-DNA position 4194, C replaced by T.
Protein change: p.Leu1398=; no amino-acid change (leucine 1398 retained).
Molecular consequence: synonymous variant.
Genome position (GRCh38, 1-based): chr2:127,625,514, C>T. VCF-style: chr2-127625514-C-T. GRCh37 (hg19) VCF-style: chr2-128383089-C-T.
Other names: c.4116C>T, p.Leu1372= (NM_001080527.2); c.675C>T, p.Leu225= (NM_001393594.1).
Identifiers: ClinVar variation 3044021 (VCV003044021.2), dbSNP rs536153919, ClinGen allele CA1861661.

ClinVar aggregate classification (germline): Likely benign (0 of 4 stars; one submission).

Conditions:
MYO7B-related disorder. Also called: MYO7B-related condition.

Allele frequency attached by ClinVar (database versions not stated): gnomAD exomes 0.00003; TOPMed 0.00020; gnomAD 0.00025; 1000 Genomes Project 30x 0.00031; 1000 Genomes Project 0.00040.
gnomAD v4.1: 84 of 1,605,082 alleles (0.0052%); highest among the groups gnomAD compares: Admixed American, 0.051%; no homozygotes.

Submission:

PreventionGenetics, part of Exact Sciences
Classification: Likely benign for MYO7B-related condition. Last evaluated: 2019-06-06. Review status: no assertion criteria provided. Collection method: clinical testing. Allele origin: germline.
Comment: This variant is classified as likely benign based on ACMG/AMP sequence variant interpretation guidelines (Richards et al. 2015 PMID: 25741868, with internal and published modifications).